The following is an entry in ClinVar:

NM_000169.3(GLA):c.21A>T (p.Glu7Asp)

Genes: GLA (galactosidase alpha; minus strand), RPL36A-HNRNPH2 (RPL36A-HNRNPH2 readthrough; plus strand). Cytogenetic location: Xq22.1.
Variant type: single nucleotide variant.
Coding change: c.21A>T on transcript NM_000169.3 (MANE Select); coding-DNA position 21, A replaced by T.
Protein change: p.Glu7Asp; replaces glutamic acid 7 with aspartic acid.
Molecular consequence: missense variant. On other transcripts: non-coding transcript variant (3), intron variant (2).
Genome position (GRCh38, 1-based): chrX:101,407,883, T>A on the plus strand (A>T on the coding strand, the complement: GLA is on the minus strand). VCF-style: chrX-101407883-T-A. GRCh37 (hg19) VCF-style: chrX-100662871-T-A.
Other names: c.21A>T, p.Glu7Asp (NM_001406747.1, NM_001406748.1, NM_001406749.1); c.301-4053T>A (NM_001199973.2); c.178-4053T>A (NM_001199974.2); short protein forms E7D.
Identifiers: ClinVar variation 2114543 (VCV002114543.4), dbSNP rs1555987217, ClinGen allele CA413937858.
Genomic context (GRCh38, chrX:101,407,883, plus strand): 5'-AGGGATGTCCCAGGAAACGAGGGCCAGGAAGCGAAGCGCAAGCGCGCAGCCCAGATGTAG[T>A]TCTGGGTTCCTCAGCTGCATTGTCACGGTGACCGGACAGCATAAATTTCCGCGGGTAACC-3'
Protein context (NP_000160.1, residues 1-17): MQLRNP[Glu7Asp]LHLGCALALR

ClinVar aggregate classification (germline): Uncertain significance (1 of 4 stars; one submission).

Conditions:
Fabry disease. Also called: Fabry's disease; ALPHA-GALACTOSIDASE A DEFICIENCY; ANDERSON-FABRY DISEASE; CERAMIDE TRIHEXOSIDASE DEFICIENCY; GLA DEFICIENCY; Ceramide trihexosidosis. Identifiers: Orphanet 324, MedGen C0002986, MONDO:0010526, OMIM 301500, HP:0001071. Disease mechanism: Fabry disease is due to inactivating mutations in the X-linked GLA gene resulting in deficiency of the enzyme Alpha Galactosidase-A., loss of function.

Submission:

Labcorp Genetics (formerly Invitae), Labcorp
Classification: Uncertain significance for Fabry disease. Last evaluated: 2022-03-19. Review status: criteria provided, single submitter. Criteria: Invitae Variant Classification Sherloc (09022015). Collection method: clinical testing. Allele origin: germline.
Comment: In summary, the available evidence is currently insufficient to determine the role of this variant in disease. Therefore, it has been classified as a Variant of Uncertain Significance. Algorithms developed to predict the effect of missense changes on protein structure and function output the following: SIFT: "Tolerated"; PolyPhen-2: "Benign"; Align-GVGD: "Class C0". The aspartic acid amino acid residue is found in multiple mammalian species, which suggests that this missense change does not adversely affect protein function. This variant has not been reported in the literature in individuals affected with GLA-related conditions. This variant is not present in population databases (gnomAD no frequency). This sequence change replaces glutamic acid, which is acidic and polar, with aspartic acid, which is acidic and polar, at codon 7 of the GLA protein (p.Glu7Asp).